The following is an entry in ClinVar:

NM_199242.3(UNC13D):c.1244_1245del (p.Ser415fs)

Gene: UNC13D (unc-13 homolog D; minus strand). Cytogenetic location: 17q25.1.
Variant type: Microsatellite.
Coding change: c.1244_1245del on transcript NM_199242.3 (MANE Select); coding-DNA positions 1244 to 1245, 2 bases deleted (CT; older notation c.1244_1245delCT).
Protein change: p.Ser415fs; shifts the reading frame from serine 415.
Molecular consequence: frameshift variant.
Genome position (GRCh38, 1-based): chr17:75,836,625-75,836,626, AG deleted on the plus strand (CT on the coding strand, the reverse complement: UNC13D is on the minus strand); deleting any 2 consecutive bases within chr17:75,836,625-75,836,628 gives the same sequence; the c. name uses the placement nearest the transcript's 3' end. VCF-style (leftmost placement, unchanged base first): chr17-75836624-CAG-C. GRCh37 (hg19) VCF-style: chr17-73832705-CAG-C.
Other names: c.1244_1245delCT (NM_199242.3); short protein forms S415fs.
Identifiers: ClinVar variation 3768599 (VCV003768599.1).

ClinVar aggregate classification (germline): Pathogenic (1 of 4 stars; one submission).

Conditions:
Familial hemophagocytic lymphohistiocytosis (FHL). Also called: Familial erythrophagocytic lymphohistiocytosis; Familial histiocytic reticulosis; Hereditary hemophagocytic lymphohistiocytosis. Identifiers: Orphanet 158038, Orphanet 540, MedGen C0272199, MONDO:0015541.

Submission:

Women's Health and Genetics/Laboratory Corporation of America, LabCorp
Classification: Pathogenic for Familial hemophagocytic lymphohistiocytosis. Last evaluated: 2025-02-11. Review status: criteria provided, single submitter. Criteria: LabCorp Variant Classification Summary - May 2015. Collection method: clinical testing. Allele origin: germline.
Comment: Variant summary: UNC13D c.1244_1245delCT (p.Ser415CysfsX45) results in a premature termination codon, predicted to cause a truncation of the encoded protein or absence of the protein due to nonsense mediated decay, which are commonly known mechanisms for disease. The variant was absent in 250816 control chromosomes. To our knowledge, no occurrence of c.1244_1245delCT in individuals affected with Familial Hemophagocytic Lymphohistiocytosis and no experimental evidence demonstrating its impact on protein function have been reported. No submitters have cited clinical-significance assessments for this variant to ClinVar. Based on the evidence outlined above, the variant was classified as pathogenic.